The following is an entry in ClinVar:

NM_000229.2(LCAT):c.806T>G (p.Ile269Arg)

Gene: LCAT (lecithin-cholesterol acyltransferase; minus strand). Cytogenetic location: 16q22.1.
Variant type: single nucleotide variant.
Coding change: c.806T>G on transcript NM_000229.2 (MANE Select); coding-DNA position 806, T replaced by G.
Protein change: p.Ile269Arg; replaces isoleucine 269 with arginine.
Molecular consequence: missense variant.
Genome position (GRCh38, 1-based): chr16:67,940,421, A>C on the plus strand (T>G on the coding strand, the complement: LCAT is on the minus strand). VCF-style: chr16-67940421-A-C. GRCh37 (hg19) VCF-style: chr16-67974324-A-C.
Other names: short protein forms I269R.
Identifiers: ClinVar variation 4096841 (VCV004096841.1).

ClinVar aggregate classification (germline): Uncertain significance (1 of 4 stars; one submission).

Conditions:
Cardiovascular phenotype. Identifiers: MedGen CN230736.

Submission:

Ambry Genetics
Classification: Uncertain significance for Cardiovascular phenotype. Last evaluated: 2025-09-04. Review status: criteria provided, single submitter. Criteria: Ambry Variant Classification Scheme 2023. Collection method: clinical testing. Allele origin: germline.
Comment: The p.I269R variant (also known as c.806T>G), located in coding exon 6 of the LCAT gene, results from a T to G substitution at nucleotide position 806. The isoleucine at codon 269 is replaced by arginine, an amino acid with similar properties. This amino acid position is conserved. In addition, the in silico prediction for this alteration is inconclusive. Based on the available evidence, the clinical significance of this variant remains unclear.